The following is an entry in ClinVar:

ClinVar aggregate classification (germline): Uncertain significance. Review status: criteria provided, multiple submitters, no conflicts (2 of 4 stars). 2 submissions from 2 submitters: Uncertain significance (2). Last evaluated 2025-07-03.

Conditions:
Hereditary cancer-predisposing syndrome. Also called: Neoplastic Syndromes, Hereditary; Tumor predisposition; Hereditary Cancer Syndrome; Hereditary neoplastic syndrome. Identifiers: Orphanet 140162, MedGen C0027672, MeSH D009386, MONDO:0015356.
Neuroblastoma, susceptibility to, 3. Also called: ALK-Related Neuroblastic Tumor Susceptibility. Identifiers: Orphanet 635, MedGen C2751681, MONDO:0013083, OMIM 613014.

Allele frequency attached by ClinVar (database versions not stated): gnomAD exomes below 0.00001; ExAC 0.00001.

Submissions (2):

Ambry Genetics
Classification: Uncertain significance for Hereditary cancer-predisposing syndrome. Last evaluated: 2025-07-03. Review status: criteria provided, single submitter. Criteria: Ambry Variant Classification Scheme 2023. Collection method: clinical testing. Allele origin: germline.
Comment: The p.W614L variant (also known as c.1841G>T), located in coding exon 10 of the ALK gene, results from a G to T substitution at nucleotide position 1841. The tryptophan at codon 614 is replaced by leucine, an amino acid with similar properties. This amino acid position is conserved. In addition, this alteration is predicted to be tolerated by in silico analysis. Since supporting evidence is limited at this time, the clinical significance of this alteration remains unclear.

Labcorp Genetics (formerly Invitae), Labcorp
Classification: Uncertain significance for Neuroblastoma, susceptibility to, 3. Last evaluated: 2024-11-13. Review status: criteria provided, single submitter. Criteria: Invitae Variant Classification Sherloc (09022015). Collection method: clinical testing. Allele origin: germline.
Comment: This sequence change replaces tryptophan, which is neutral and slightly polar, with leucine, which is neutral and non-polar, at codon 614 of the ALK protein (p.Trp614Leu). This variant is present in population databases (rs760038434, gnomAD 0.0009%). This variant has not been reported in the literature in individuals affected with ALK-related conditions. ClinVar contains an entry for this variant (Variation ID: 567781). An algorithm developed to predict the effect of missense changes on protein structure and function (PolyPhen-2) suggests that this variant is likely to be disruptive. In summary, the available evidence is currently insufficient to determine the role of this variant in disease. Therefore, it has been classified as a Variant of Uncertain Significance.

NM_004304.5(ALK):c.1841G>T (p.Trp614Leu)

Gene: ALK (ALK receptor tyrosine kinase; minus strand). Cytogenetic location: 2p23.2.
Variant type: single nucleotide variant.
Coding change: c.1841G>T on transcript NM_004304.5 (MANE Select); coding-DNA position 1841, G replaced by T.
Protein change: p.Trp614Leu; replaces tryptophan 614 with leucine.
Molecular consequence: missense variant.
Genome position (GRCh38, 1-based): chr2:29,275,473, C>A on the plus strand (G>T on the coding strand, the complement: ALK is on the minus strand). VCF-style: chr2-29275473-C-A. GRCh37 (hg19) VCF-style: chr2-29498339-C-A.
Other names: short protein forms W614L.
Identifiers: ClinVar variation 567781 (VCV000567781.11), dbSNP rs760038434, ClinGen allele CA1594508.